The following is an entry in ClinVar:

NM_001942.4(DSG1):c.337dup (p.Ser113fs)

Gene: DSG1 (desmoglein 1; plus strand). Cytogenetic location: 18q12.1.
Variant type: Duplication.
Coding change: c.337dup on transcript NM_001942.4 (MANE Select); coding-DNA position 337, one base duplicated (T; older notation c.337dupT).
Protein change: p.Ser113fs; shifts the reading frame from serine 113.
Molecular consequence: frameshift variant.
Genome position (GRCh38, 1-based): chr18:31,328,309, T duplicated. VCF-style (leftmost placement, unchanged base first): chr18-31328308-A-AT. GRCh37 (hg19) VCF-style: chr18-28908271-A-AT.
Other names: short protein forms S113fs.
Identifiers: ClinVar variation 2738332 (VCV002738332.3), dbSNP rs2511043976, ClinGen allele CA2695227450.

ClinVar aggregate classification (germline): Pathogenic (1 of 4 stars; one submission).

Submission:

Labcorp Genetics (formerly Invitae), Labcorp
Classification: Pathogenic. Last evaluated: 2023-05-27. Review status: criteria provided, single submitter. Criteria: Invitae Variant Classification Sherloc (09022015). Collection method: clinical testing. Allele origin: germline.
Comment: This sequence change creates a premature translational stop signal (p.Ser113Phefs*4) in the DSG1 gene. It is expected to result in an absent or disrupted protein product. Loss-of-function variants in DSG1 are known to be pathogenic (PMID: 19018793, 23974871, 27534273, 27632246, 29604126). This variant is not present in population databases (gnomAD no frequency). This variant has not been reported in the literature in individuals affected with DSG1-related conditions. For these reasons, this variant has been classified as Pathogenic.

Literature cited by the submitters: PubMed 19018793; PubMed 23974871; PubMed 27534273; PubMed 27632246; PubMed 29604126.